The following is an entry in ClinVar:

ClinVar aggregate classification (germline): Likely benign. Review status: criteria provided, multiple submitters, no conflicts (2 of 4 stars). 3 submissions from 3 submitters: Likely benign (2). 1 of the submissions does not count toward it. Last evaluated 2025-11-27.

Conditions:
PEX1-related disorder. Also called: PEX1-related condition.
Zellweger spectrum disorders (ZS). Also called: Zellweger Spectrum Disorder; Zellweger Spectrum; Zellweger Spectrum Disorder (ZSD); Zellweger syndrome. Identifiers: Orphanet 912, MedGen C0043459, MONDO:0019609.

Allele frequency attached by ClinVar (database versions not stated): TOPMed below 0.00001; gnomAD 0.00001; gnomAD exomes 0.00001 and 0.00003; ExAC 0.00003.

Submissions (3):

Labcorp Genetics (formerly Invitae), Labcorp
Classification: Likely benign for Zellweger spectrum disorders. Last evaluated: 2025-11-27. Review status: criteria provided, single submitter. Criteria: Invitae Variant Classification Sherloc (09022015). Collection method: clinical testing. Allele origin: germline.

Blueprint Genetics
Classification: Likely benign. Last evaluated: 2024-11-04. Review status: criteria provided, single submitter. Criteria: ACMG Guidelines, 2015. Collection method: clinical testing. Allele origin: germline.

PreventionGenetics, part of Exact Sciences
Classification: Likely benign for PEX1-related condition. Last evaluated: 2024-08-14. Review status: no assertion criteria provided. Collection method: clinical testing. Allele origin: germline. Not counted in ClinVar's aggregate classification.
Comment: This variant is classified as likely benign based on ACMG/AMP sequence variant interpretation guidelines (Richards et al. 2015 PMID: 25741868, with internal and published modifications).

NM_000466.3(PEX1):c.1689C>T (p.Gly563=)

Gene: PEX1 (peroxisomal biogenesis factor 1; minus strand). Cytogenetic location: 7q21.2.
Variant type: single nucleotide variant.
Coding change: c.1689C>T on transcript NM_000466.3 (MANE Select); coding-DNA position 1689, C replaced by T.
Protein change: p.Gly563=; no amino-acid change (glycine 563 retained).
Molecular consequence: synonymous variant.
Genome position (GRCh38, 1-based): chr7:92,507,108, G>A on the plus strand (C>T on the coding strand, the complement: PEX1 is on the minus strand). VCF-style: chr7-92507108-G-A. GRCh37 (hg19) VCF-style: chr7-92136422-G-A.
Other names: c.1689C>T, p.Gly563= (NM_001282677.2); c.1065C>T, p.Gly355= (NM_001282678.2); c.1689C>T (NM_000466.2).
Identifiers: ClinVar variation 1080943 (VCV001080943.11), dbSNP rs776917285, ClinGen allele CA4341322.